The following is an entry in ClinVar:

NM_002693.3(POLG):c.890T>C (p.Met297Thr)

Gene: POLG (DNA polymerase gamma, catalytic subunit; minus strand). Cytogenetic location: 15q26.1.
Variant type: single nucleotide variant.
Coding change: c.890T>C on transcript NM_002693.3 (MANE Select); coding-DNA position 890, T replaced by C.
Protein change: p.Met297Thr; replaces methionine 297 with threonine.
Molecular consequence: missense variant.
Genome position (GRCh38, 1-based): chr15:89,329,076, A>G on the plus strand (T>C on the coding strand, the complement: POLG is on the minus strand). VCF-style: chr15-89329076-A-G. GRCh37 (hg19) VCF-style: chr15-89872307-A-G.
Other names: c.890T>C, p.Met297Thr (NM_001126131.2); short protein forms M297T.
Identifiers: ClinVar variation 2127120 (VCV002127120.6), dbSNP rs2509262401, ClinGen allele CA393765968.

ClinVar aggregate classification (germline): Uncertain significance. Review status: criteria provided, single submitter (1 of 4 stars). 2 submissions from 2 submitters: Uncertain significance (1). 1 of the submissions does not count toward it. Last evaluated 2022-10-14.

Conditions:
POLG-related disorder. Also called: POLG-Related Spectrum Disorders; POLG-related condition; POLG-Related Disorders. Identifiers: MedGen C4763519.
Progressive sclerosing poliodystrophy (MTDPS4A). Also called: Mitochondrial DNA Depletion Syndrome 4A; Alpers-Huttenlocher Syndrome (AHS); ALPERS PROGRESSIVE INFANTILE POLIODYSTROPHY; NEURONAL DEGENERATION OF CHILDHOOD WITH LIVER DISEASE, PROGRESSIVE; Mitochondrial DNA depletion syndrome 4A (Alpers type); Alpers Syndrome. Identifiers: Orphanet 726, MedGen C0205710, MONDO:0008758, OMIM 203700.

Allele frequency attached by ClinVar (database versions not stated): gnomAD exomes below 0.00001.
gnomAD v4.1: 1 of 1,612,866 alleles (0.000062%); highest among the groups gnomAD compares: Non-Finnish European, 0.000085%; no homozygotes.

Submissions (2):

Labcorp Genetics (formerly Invitae), Labcorp
Classification: Uncertain significance for Progressive sclerosing poliodystrophy. Last evaluated: 2022-10-14. Review status: criteria provided, single submitter. Criteria: Invitae Variant Classification Sherloc (09022015). Collection method: clinical testing. Allele origin: germline.
Comment: Algorithms developed to predict the effect of missense changes on protein structure and function (SIFT, PolyPhen-2, Align-GVGD) all suggest that this variant is likely to be disruptive. This variant has not been reported in the literature in individuals affected with POLG-related conditions. This variant is not present in population databases (gnomAD no frequency). This sequence change replaces methionine, which is neutral and non-polar, with threonine, which is neutral and polar, at codon 297 of the POLG protein (p.Met297Thr). In summary, the available evidence is currently insufficient to determine the role of this variant in disease. Therefore, it has been classified as a Variant of Uncertain Significance.

PreventionGenetics, part of Exact Sciences
Classification: Uncertain significance for POLG-related condition. Last evaluated: 2023-12-01. Review status: no assertion criteria provided. Collection method: clinical testing. Allele origin: germline. Not counted in ClinVar's aggregate classification.
Comment: The POLG c.890T>C variant is predicted to result in the amino acid substitution p.Met297Thr. To our knowledge, this variant has not been reported in the literature or in a large population database, indicating this variant is rare. At this time, the clinical significance of this variant is uncertain due to the absence of conclusive functional and genetic evidence.